The following is an entry in ClinVar:

ClinVar aggregate classification (germline): Uncertain significance. Review status: criteria provided, multiple submitters, no conflicts (2 of 4 stars). 2 submissions from 2 submitters: Uncertain significance (2). Last evaluated 2025-04-14.

Allele frequency attached by ClinVar (database versions not stated): gnomAD exomes below 0.00001.
gnomAD v4.1: 1 of 1,614,096 alleles (0.000062%); highest among the groups gnomAD compares: Non-Finnish European, 0.000085%; no homozygotes.

Submissions (2):

Ambry Genetics
Classification: Uncertain significance. Last evaluated: 2025-04-14. Review status: criteria provided, single submitter. Criteria: Ambry Variant Classification Scheme 2023. Collection method: clinical testing. Allele origin: germline.

Labcorp Genetics (formerly Invitae), Labcorp
Classification: Uncertain significance. Last evaluated: 2022-10-25. Review status: criteria provided, single submitter. Criteria: Invitae Variant Classification Sherloc (09022015). Collection method: clinical testing. Allele origin: germline.
Comment: In summary, the available evidence is currently insufficient to determine the role of this variant in disease. Therefore, it has been classified as a Variant of Uncertain Significance. Algorithms developed to predict the effect of missense changes on protein structure and function are either unavailable or do not agree on the potential impact of this missense change (SIFT: "Not Available"; PolyPhen-2: "Probably Damaging"; Align-GVGD: "Not Available"). This variant has not been reported in the literature in individuals affected with OAS1-related conditions. The frequency data for this variant in the population databases is considered unreliable, as metrics indicate poor data quality at this position in the gnomAD database. This sequence change replaces isoleucine, which is neutral and non-polar, with threonine, which is neutral and polar, at codon 102 of the OAS1 protein (p.Ile102Thr).

NM_016816.4(OAS1):c.305T>C (p.Ile102Thr)

Gene: OAS1 (2'-5'-oligoadenylate synthetase 1; plus strand). Cytogenetic location: 12q24.13.
Variant type: single nucleotide variant.
Coding change: c.305T>C on transcript NM_016816.4 (MANE Select); coding-DNA position 305, T replaced by C.
Protein change: p.Ile102Thr; replaces isoleucine 102 with threonine.
Molecular consequence: missense variant.
Genome position (GRCh38, 1-based): chr12:112,908,660, T>C. VCF-style: chr12-112908660-T-C. GRCh37 (hg19) VCF-style: chr12-113346465-T-C.
Other names: c.305T>C, p.Ile102Thr (NM_001032409.3, NM_001320151.2, NM_001406020.1 and 7 more transcripts); c.305T>C (NM_016816.2); short protein forms I102T.
Identifiers: ClinVar variation 2091255 (VCV002091255.5), dbSNP rs1366409109, ClinGen allele CA386800395.
Genomic context (GRCh38, chr12:112,908,660, plus strand): 5'-TCAGTCCTCTCACCACTTTTCAGGATCAGTTAAATCGCCGGGGAGAGTTCATCCAGGAAA[T>C]TAGGAGACAGCTGGAAGCCTGTCAAAGAGAGAGAGCATTTTCCGTGAAGTTTGAGGTCCA-3'
Protein context (NP_058132.2, residues 92-112): LNRRGEFIQE[Ile102Thr]RRQLEACQRE